The following is an entry in ClinVar:

ClinVar aggregate classification (germline): Uncertain significance (1 of 4 stars; one submission).

Conditions:
Joubert syndrome. Also called: CEREBELLOPARENCHYMAL DISORDER IV; JOUBERT-BOLTSHAUSER SYNDROME; Familial aplasia of the vermis. Identifiers: Orphanet 475, MedGen C5979921, MONDO:0018772.
Meckel-Gruber syndrome. Also called: DYSENCEPHALIA SPLANCHNOCYSTICA; GRUBER SYNDROME; Dysencephalia splachnocystica. Identifiers: Orphanet 564, MedGen C0265215, MONDO:0018921.

gnomAD v4.1: 8 of 1,614,082 alleles (0.0005%); highest among the groups gnomAD compares: South Asian, 0.0066%; no homozygotes.

Submission:

Labcorp Genetics (formerly Invitae), Labcorp
Classification: Uncertain significance for Joubert syndrome; Meckel-Gruber syndrome. Last evaluated: 2022-04-17. Review status: criteria provided, single submitter. Criteria: Invitae Variant Classification Sherloc (09022015). Collection method: clinical testing. Allele origin: germline.
Comment: This sequence change replaces proline, which is neutral and non-polar, with arginine, which is basic and polar, at codon 67 of the TCTN2 protein (p.Pro67Arg). This variant is present in population databases (rs772417842, gnomAD 0.006%). This variant has not been reported in the literature in individuals affected with TCTN2-related conditions. Algorithms developed to predict the effect of missense changes on protein structure and function (SIFT, PolyPhen-2, Align-GVGD) all suggest that this variant is likely to be tolerated. In summary, the available evidence is currently insufficient to determine the role of this variant in disease. Therefore, it has been classified as a Variant of Uncertain Significance.

NM_024809.5(TCTN2):c.200C>G (p.Pro67Arg)

Gene: TCTN2 (tectonic family member 2; plus strand). Cytogenetic location: 12q24.31.
Variant type: single nucleotide variant.
Coding change: c.200C>G on transcript NM_024809.5 (MANE Select); coding-DNA position 200, C replaced by G.
Protein change: p.Pro67Arg; replaces proline 67 with arginine.
Molecular consequence: missense variant.
Genome position (GRCh38, 1-based): chr12:123,672,065, C>G. VCF-style: chr12-123672065-C-G. GRCh37 (hg19) VCF-style: chr12-124156612-C-G.
Other names: c.200C>G, p.Pro67Arg (NM_001143850.3, NM_001410989.1); short protein forms P67R.
Identifiers: ClinVar variation 2141077 (VCV002141077.1), dbSNP rs772417842, ClinGen allele CA6860820.
Genomic context (GRCh38, chr12:123,672,065, plus strand): 5'-CCCTGAGCTGCTGGACCTTGCTGCCTTTGCATGCTGGTCTTCTTTCTTTAGGAATATTGC[C>G]AATTCCGACGTGTGGAGTGCTGAACAATGAGACGGAAGACTGGAGCGTGACTGTGATCCC-3'
Protein context (NP_079085.2, residues 57-77): AVLQDEAGIL[Pro67Arg]IPTCGVLNNE